The following is an entry in ClinVar:

NM_001369.3(DNAH5):c.7186G>A (p.Val2396Ile)

Gene: DNAH5 (dynein axonemal heavy chain 5; minus strand). Cytogenetic location: 5p15.2.
Variant type: single nucleotide variant.
Coding change: c.7186G>A on transcript NM_001369.3 (MANE Select); coding-DNA position 7186, G replaced by A.
Protein change: p.Val2396Ile; replaces valine 2396 with isoleucine.
Molecular consequence: missense variant.
Genome position (GRCh38, 1-based): chr5:13,814,649, C>T on the plus strand (G>A on the coding strand, the complement: DNAH5 is on the minus strand). VCF-style: chr5-13814649-C-T. GRCh37 (hg19) VCF-style: chr5-13814758-C-T.
Other names: short protein forms V2396I.
Identifiers: ClinVar variation 3709380 (VCV003709380.2).

ClinVar aggregate classification (germline): Uncertain significance (1 of 4 stars; one submission).

Conditions:
Primary ciliary dyskinesia. Also called: Ciliary dyskinesia. Identifiers: Orphanet 244, MedGen C0008780, MONDO:0016575, HP:0012265.

gnomAD v4.1: 2 of 1,613,750 alleles (0.00012%); highest among the groups gnomAD compares: African/African-American, 0.0027%; no homozygotes.

Submission:

Labcorp Genetics (formerly Invitae), Labcorp
Classification: Uncertain significance for Primary ciliary dyskinesia. Last evaluated: 2024-12-12. Review status: criteria provided, single submitter. Criteria: Invitae Variant Classification Sherloc (09022015). Collection method: clinical testing. Allele origin: germline.
Comment: This sequence change replaces valine, which is neutral and non-polar, with isoleucine, which is neutral and non-polar, at codon 2396 of the DNAH5 protein (p.Val2396Ile). This variant is not present in population databases (gnomAD no frequency). This variant has not been reported in the literature in individuals affected with DNAH5-related conditions. Invitae Evidence Modeling of protein sequence and biophysical properties (such as structural, functional, and spatial information, amino acid conservation, physicochemical variation, residue mobility, and thermodynamic stability) has been performed for this missense variant. However, the output from this modeling did not meet the statistical confidence thresholds required to predict the impact of this variant on DNAH5 protein function. In summary, the available evidence is currently insufficient to determine the role of this variant in disease. Therefore, it has been classified as a Variant of Uncertain Significance.